The following is an entry in ClinVar:

ClinVar aggregate classification (germline): Uncertain significance (1 of 4 stars; one submission).

Conditions:
Developmental and epileptic encephalopathy, 13 (DEE13). Also called: Early infantile epileptic encephalopathy 13; SCN8A-Related Epilepsy; Developmental and Epileptic Encephalopathy (SCN8A-DEE). Identifiers: Orphanet 442835, MedGen C3281191, MONDO:0013801, OMIM 614558.

Submission:

3billion
Classification: Uncertain significance for Developmental and epileptic encephalopathy, 13. Last evaluated: 2025-10-20. Review status: criteria provided, single submitter. Criteria: ACMG Guidelines, 2015. Collection method: clinical testing. Allele origin: germline. Affected: yes.
Comment: The variant is not observed in the gnomAD v4.1.0 dataset. Predicted Consequence/Location: Missense variant In silico tool predictions suggest damaging effect of the variant on gene or gene product [REVEL: 0.85 (>=0.6, sensitivity 0.68 and specificity 0.92); 3Cnet: 0.99 (> 0.75, sensitivity 0.96 and precision 0.92)]. Different missense changes at the same codon (p.Ala1319Asp, p.Ala1319Ser) have been reported as pathogenic/likely pathogenic with strong evidence (ClinVar ID: VCV000207117 /PMID: 29655203, 30968951). Therefore, this variant is classified as VUS according to the recommendation of ACMG/AMP guideline.

Literature cited by the submitters: PubMed 29655203.

NM_001330260.2(SCN8A):c.3955G>A (p.Ala1319Thr)

Gene: SCN8A (sodium voltage-gated channel alpha subunit 8; plus strand). Cytogenetic location: 12q13.13.
Variant type: single nucleotide variant.
Coding change: c.3955G>A on transcript NM_001330260.2 (MANE Select); coding-DNA position 3955, G replaced by A.
Protein change: p.Ala1319Thr; replaces alanine 1319 with threonine.
Molecular consequence: missense variant.
Genome position (GRCh38, 1-based): chr12:51,786,554, G>A. VCF-style: chr12-51786554-G-A. GRCh37 (hg19) VCF-style: chr12-52180338-G-A.
Other names: c.3832G>A, p.Ala1278Thr (NM_001369788.1, NM_001177984.3); c.3955G>A, p.Ala1319Thr (NM_014191.4); short protein forms A1278T, A1319T.
Identifiers: ClinVar variation 4855856 (VCV004855856.1).